The following is an entry in ClinVar:

ClinVar aggregate classification (germline): Pathogenic (1 of 4 stars; one submission).

Submission:

GeneDx
Classification: Pathogenic. Last evaluated: 2015-06-03. Review status: criteria provided, single submitter. Criteria: GeneDx Variant Classification (06012015). Collection method: clinical testing. Allele origin: germline. Affected: yes.
Comment: The c.240_244dupGGGTG duplication is predicted to cause loss of normal protein functioneither through protein truncation or nonsense-mediated mRNA decay. Although this variant has not beenpreviously reported to our knowledge, we interpret it as pathogenic.

NM_000278.5(PAX2):c.240_244dup (p.Val82fs)

Gene: PAX2 (paired box 2; plus strand). Cytogenetic location: 10q24.31.
Variant type: Duplication.
Coding change: c.240_244dup on transcript NM_000278.5 (MANE Select); coding-DNA positions 240 to 244, 5 bases duplicated (GGGTG; older notation c.240_244dupGGGTG).
Protein change: p.Val82fs; shifts the reading frame from valine 82.
Molecular consequence: frameshift variant.
Genome position (GRCh38, 1-based): chr10:100,750,721-100,750,725, GGGTG duplicated. VCF-style (leftmost placement, unchanged base first): chr10-100750720-C-CGGGTG. GRCh37 (hg19) VCF-style: chr10-102510477-C-CGGGTG.
Other names: c.333_337dup, p.Val113fs (NM_001304569.2); c.240_244dup, p.Val82fs (NM_003987.5, NM_003988.5, NM_003989.5 and 1 more transcripts); short protein forms V113fs, V82fs.
Identifiers: ClinVar variation 419192 (VCV000419192.2), dbSNP rs1554856034, ClinGen allele CA16618920.
Genomic context (GRCh38, chr10:100,750,720, plus strand): 5'-CTTCTGGCTGACCCCGCCGGCTTTCCCGGCGCAGGTACTACGAGACCGGCAGCATCAAGC[C>CGGGTG]GGGTGTGATCGGTGGCTCCAAGCCCAAAGTGGCGACGCCCAAAGTGGTGGACAAGATTGC-3'